The following is an entry in ClinVar:

NM_001032283.3(TMPO):c.565+1084T>A

Gene: TMPO (thymopoietin; plus strand). Cytogenetic location: 12q23.1.
Variant type: single nucleotide variant.
Coding change: c.565+1084T>A on transcript NM_001032283.3 (MANE Select); 1084 bases into the intron after coding-DNA position 565, T replaced by A.
Molecular consequence: intron variant. On other transcripts: missense variant (1).
Genome position (GRCh38, 1-based): chr12:98,532,922, T>A. VCF-style: chr12-98532922-T-A. GRCh37 (hg19) VCF-style: chr12-98926700-T-A.
Other names: c.665T>A, p.Ile222Asn (NM_003276.2); c.565+1084T>A (NM_001307975.2, NM_001032284.3); short protein forms I222N.
Identifiers: ClinVar variation 1435226 (VCV001435226.10), dbSNP rs767247716, ClinGen allele CA6732263.

ClinVar aggregate classification (germline): Uncertain significance. Review status: criteria provided, multiple submitters, no conflicts (2 of 4 stars). 2 submissions from 2 submitters: Uncertain significance (2). Last evaluated 2025-05-26.

Conditions:
Loeys-Dietz syndrome 2 (LDS2). Also called: Marfan syndrome, type 2 (formerly); AORTIC ANEURYSM, FAMILIAL THORACIC 3; MARFAN SYNDROME, TYPE II; TGFBR2-Related Loeys-Dietz Syndrome; Marfan Syndrome type 2; Marfan like connective tissue disorder. Identifiers: Orphanet 284973, Orphanet 558, MedGen C2674574, MONDO:0012427, OMIM 610168.

Allele frequency attached by ClinVar (database versions not stated): gnomAD exomes below 0.00001 and 0.00001; ExAC 0.00001; TOPMed 0.00002.
gnomAD v4.1: 4 of 1,614,150 alleles (0.00025%); highest among the groups gnomAD compares: Middle Eastern, 0.033%; no homozygotes.

Submissions (2):

Ambry Genetics
Classification: Uncertain significance. Last evaluated: 2025-05-26. Review status: criteria provided, single submitter. Criteria: Ambry Variant Classification Scheme 2023. Collection method: clinical testing. Allele origin: germline.

Labcorp Genetics (formerly Invitae), Labcorp
Classification: Uncertain significance for Loeys-Dietz syndrome 2. Last evaluated: 2024-11-26. Review status: criteria provided, single submitter. Criteria: Invitae Variant Classification Sherloc (09022015). Collection method: clinical testing. Allele origin: germline.
Comment: This sequence change replaces isoleucine, which is neutral and non-polar, with asparagine, which is neutral and polar, at codon 222 of the TMPO protein (p.Ile222Asn). This variant is present in population databases (rs767247716, gnomAD 0.007%). This variant has not been reported in the literature in individuals affected with TMPO-related conditions. ClinVar contains an entry for this variant (Variation ID: 1435226). Invitae Evidence Modeling of protein sequence and biophysical properties (such as structural, functional, and spatial information, amino acid conservation, physicochemical variation, residue mobility, and thermodynamic stability) indicates that this missense variant is not expected to disrupt TMPO protein function with a negative predictive value of 80%. Algorithms developed to predict the effect of sequence changes on RNA splicing suggest that this variant may create or strengthen a splice site. In summary, the available evidence is currently insufficient to determine the role of this variant in disease. Therefore, it has been classified as a Variant of Uncertain Significance.